The following is an entry in ClinVar:

NM_006035.4(CDC42BPB):c.2647C>T (p.Leu883=)

Gene: CDC42BPB (CDC42 binding protein kinase beta; minus strand). Cytogenetic location: 14q32.32.
Variant type: single nucleotide variant.
Coding change: c.2647C>T on transcript NM_006035.4 (MANE Select); coding-DNA position 2647, C replaced by T.
Protein change: p.Leu883=; no amino-acid change (leucine 883 retained).
Molecular consequence: synonymous variant.
Genome position (GRCh38, 1-based): chr14:102,964,581, G>A on the plus strand (C>T on the coding strand, the complement: CDC42BPB is on the minus strand). VCF-style: chr14-102964581-G-A. GRCh37 (hg19) VCF-style: chr14-103430918-G-A.
Other names: c.2647C>T, p.Leu883= (NM_001411054.1).
Identifiers: ClinVar variation 3342050 (VCV003342050.16).

ClinVar aggregate classification (germline): Uncertain significance (1 of 4 stars; one submission).

gnomAD v4.1: 1 of 1,613,934 alleles (0.000062%); highest among the groups gnomAD compares: Non-Finnish European, 0.000085%; no homozygotes.

Submission:

CeGaT Center for Human Genetics Tuebingen
Classification: Uncertain significance. Last evaluated: 2024-08-01. Review status: criteria provided, single submitter. Criteria: CeGaT Center For Human Genetics Tuebingen Variant Classification Criteria Version 2. Collection method: clinical testing. Allele origin: germline. Affected: yes. Observed: 1 variant allele.
Comment: CDC42BPB: PM2:Supporting, BP4